The following is an entry in ClinVar:

ClinVar aggregate classification (germline): Uncertain significance (1 of 4 stars; one submission).

Submission:

Labcorp Genetics (formerly Invitae), Labcorp
Classification: Uncertain significance. Last evaluated: 2023-03-17. Review status: criteria provided, single submitter. Criteria: Invitae Variant Classification Sherloc (09022015). Collection method: clinical testing. Allele origin: germline.
Comment: This sequence change replaces leucine, which is neutral and non-polar, with proline, which is neutral and non-polar, at codon 808 of the CACNA1E protein (p.Leu808Pro). This variant is not present in population databases (gnomAD no frequency). This variant has not been reported in the literature in individuals affected with CACNA1E-related conditions. Advanced modeling of protein sequence and biophysical properties (such as structural, functional, and spatial information, amino acid conservation, physicochemical variation, residue mobility, and thermodynamic stability) performed at Invitae indicates that this missense variant is not expected to disrupt CACNA1E protein function. In summary, the available evidence is currently insufficient to determine the role of this variant in disease. Therefore, it has been classified as a Variant of Uncertain Significance.

NM_001205293.3(CACNA1E):c.2423T>C (p.Leu808Pro)

Gene: CACNA1E (calcium voltage-gated channel subunit alpha1 E; plus strand). Cytogenetic location: 1q25.3.
Variant type: single nucleotide variant.
Coding change: c.2423T>C on transcript NM_001205293.3 (MANE Select); coding-DNA position 2423, T replaced by C.
Protein change: p.Leu808Pro; replaces leucine 808 with proline.
Molecular consequence: missense variant.
Genome position (GRCh38, 1-based): chr1:181,732,509, T>C. VCF-style: chr1-181732509-T-C. GRCh37 (hg19) VCF-style: chr1-181701645-T-C.
Other names: c.2423T>C, p.Leu808Pro (NM_000721.4); c.2366T>C, p.Leu789Pro (NM_001205294.2); short protein forms L789P, L808P.
Identifiers: ClinVar variation 2846654 (VCV002846654.3), dbSNP rs2528693581, ClinGen allele CA343617320.